The following is an entry in ClinVar:

NM_001999.4(FBN2):c.1421C>G (p.Ala474Gly)

Gene: FBN2 (fibrillin 2; minus strand). Cytogenetic location: 5q23.3.
Variant type: single nucleotide variant.
Coding change: c.1421C>G on transcript NM_001999.4 (MANE Select); coding-DNA position 1421, C replaced by G.
Protein change: p.Ala474Gly; replaces alanine 474 with glycine.
Molecular consequence: missense variant.
Genome position (GRCh38, 1-based): chr5:128,393,179, G>C on the plus strand (C>G on the coding strand, the complement: FBN2 is on the minus strand). VCF-style: chr5-128393179-G-C. GRCh37 (hg19) VCF-style: chr5-127728872-G-C.
Other names: short protein forms A474G.
Identifiers: ClinVar variation 2872303 (VCV002872303.3), dbSNP rs1752563667, ClinGen allele CA360749042.

ClinVar aggregate classification (germline): Uncertain significance (1 of 4 stars; one submission).

Conditions:
Congenital contractural arachnodactyly (CCA). Also called: BEALS SYNDROME; Arthrogryposis, distal, type 9; Beals-Hecht syndrome. Identifiers: Orphanet 115, MedGen C0220668, MONDO:0007363, OMIM 121050.

Submission:

Labcorp Genetics (formerly Invitae), Labcorp
Classification: Uncertain significance for Congenital contractural arachnodactyly. Last evaluated: 2023-11-07. Review status: criteria provided, single submitter. Criteria: Invitae Variant Classification Sherloc (09022015). Collection method: clinical testing. Allele origin: germline.
Comment: This sequence change replaces alanine, which is neutral and non-polar, with glycine, which is neutral and non-polar, at codon 474 of the FBN2 protein (p.Ala474Gly). This variant is not present in population databases (gnomAD no frequency). This variant has not been reported in the literature in individuals affected with FBN2-related conditions. Advanced modeling of protein sequence and biophysical properties (such as structural, functional, and spatial information, amino acid conservation, physicochemical variation, residue mobility, and thermodynamic stability) performed at Invitae indicates that this missense variant is not expected to disrupt FBN2 protein function with a negative predictive value of 95%. Algorithms developed to predict the effect of sequence changes on RNA splicing suggest that this variant may disrupt the consensus splice site. In summary, the available evidence is currently insufficient to determine the role of this variant in disease. Therefore, it has been classified as a Variant of Uncertain Significance.